The following is an entry in ClinVar:

ClinVar aggregate classification (germline): Uncertain significance. Review status: criteria provided, multiple submitters, no conflicts (2 of 4 stars). 2 submissions from 2 submitters: Uncertain significance (2). Last evaluated 2025-11-19.

Conditions:
Inborn genetic diseases. Identifiers: MedGen C0950123, MeSH D030342.

Allele frequency attached by ClinVar (database versions not stated): 1000 Genomes Project 30x 0.00016; gnomAD 0.00019 and 0.00021; 1000 Genomes Project 0.00020; TOPMed 0.00020; gnomAD exomes 0.00024 and 0.00037; ESP Exome Variant Server 0.00025; ExAC 0.00030.
gnomAD v4.1: 551 of 1,595,584 alleles (0.035%); highest among the groups gnomAD compares: Non-Finnish European, 0.045%; 1 homozygote.

Submissions (2):

Ambry Genetics
Classification: Uncertain significance for Inborn genetic diseases. Last evaluated: 2025-11-19. Review status: criteria provided, single submitter. Criteria: Ambry Variant Classification Scheme 2023. Collection method: clinical testing. Allele origin: germline.
Comment: The c.2429A>T (p.D810V) alteration is located in exon 21 (coding exon 21) of the TBC1D32 gene. This alteration results from a A to T substitution at nucleotide position 2429, causing the aspartic acid (D) at amino acid position 810 to be replaced by a valine (V). Based on data from gnomAD, the T allele has an overall frequency of 0.024% (62/262350) total alleles studied. The highest observed frequency was 0.047% (58/123734) of European (non-Finnish) alleles. Based on insufficient or conflicting evidence, the clinical significance of this alteration remains unclear.

Labcorp Genetics (formerly Invitae), Labcorp
Classification: Uncertain significance. Last evaluated: 2025-10-10. Review status: criteria provided, single submitter. Criteria: Invitae Variant Classification Sherloc (09022015). Collection method: clinical testing. Allele origin: germline.
Comment: This sequence change replaces aspartic acid, which is acidic and polar, with valine, which is neutral and non-polar, at codon 810 of the TBC1D32 protein (p.Asp810Val). This variant is present in population databases (rs187705659, gnomAD 0.05%). This variant has not been reported in the literature in individuals affected with TBC1D32-related conditions. ClinVar contains an entry for this variant (Variation ID: 1381835). An algorithm developed to predict the effect of missense changes on protein structure and function (PolyPhen-2) suggests that this variant is likely to be tolerated. In summary, the available evidence is currently insufficient to determine the role of this variant in disease. Therefore, it has been classified as a Variant of Uncertain Significance.

NM_152730.6(TBC1D32):c.2429A>T (p.Asp810Val)

Gene: TBC1D32 (TBC1 domain family member 32; minus strand). Cytogenetic location: 6q22.31.
Variant type: single nucleotide variant.
Coding change: c.2429A>T on transcript NM_152730.6 (MANE Select); coding-DNA position 2429, A replaced by T.
Protein change: p.Asp810Val; replaces aspartic acid 810 with valine.
Molecular consequence: missense variant. On other transcripts: non-coding transcript variant (1).
Genome position (GRCh38, 1-based): chr6:121,223,288, T>A on the plus strand (A>T on the coding strand, the complement: TBC1D32 is on the minus strand). VCF-style: chr6-121223288-T-A. GRCh37 (hg19) VCF-style: chr6-121544434-T-A.
Other names: c.2429A>T, p.Asp810Val (NM_001367759.1, NM_001367760.1); c.2429A>T (NM_152730.4); short protein forms D810V.
Identifiers: ClinVar variation 1381835 (VCV001381835.9), dbSNP rs187705659, ClinGen allele CA3980827.